The following is an entry in ClinVar:

NM_001130144.3(LTBP3):c.2727G>A (p.Glu909=)

Gene: LTBP3 (latent transforming growth factor beta binding protein 3; minus strand). Cytogenetic location: 11q13.1.
Variant type: single nucleotide variant.
Coding change: c.2727G>A on transcript NM_001130144.3 (MANE Select); coding-DNA position 2727, G replaced by A.
Protein change: p.Glu909=; no amino-acid change (glutamic acid 909 retained).
Molecular consequence: synonymous variant.
Genome position (GRCh38, 1-based): chr11:65,541,292, C>T on the plus strand (G>A on the coding strand, the complement: LTBP3 is on the minus strand). VCF-style: chr11-65541292-C-T. GRCh37 (hg19) VCF-style: chr11-65308763-C-T.
Other names: c.2376G>A, p.Glu792= (NM_001164266.1); c.2727G>A, p.Glu909= (NM_021070.4).
Identifiers: ClinVar variation 2114449 (VCV002114449.4), dbSNP rs2496130595, ClinGen allele CA475180670.
Genomic context (GRCh38, chr11:65,541,292, plus strand): 5'-GCAGAACACTGTGTCATCGAAGTTCAGGTAGCACTCCTTCTTGTGGTGGGGCTGCTCCAC[C>T]TCTGAGGGGCAGACGGCAGCTCAGGGTTGTGCACAGACCCCCCTTGGCCCTGTCCACCCT-3'
Protein context (NP_001123616.1, residues 899-919): TPTQDQHGCE[Glu909=]VEQPHHKKEC

ClinVar aggregate classification (germline): Uncertain significance (1 of 4 stars; one submission).

Conditions:
Brachyolmia-amelogenesis imperfecta syndrome. Also called: Tooth agenesis, selective, 6; Dental anomalies and short stature; PLATYSPONDYLY WITH AMELOGENESIS IMPERFECTA. Identifiers: Orphanet 2899, MedGen C1832594, MONDO:0011018, OMIM 601216. Disease mechanism: loss of function.

Submission:

Labcorp Genetics (formerly Invitae), Labcorp
Classification: Uncertain significance for Brachyolmia-amelogenesis imperfecta syndrome. Last evaluated: 2022-03-19. Review status: criteria provided, single submitter. Criteria: Invitae Variant Classification Sherloc (09022015). Collection method: clinical testing. Allele origin: germline.
Comment: In summary, the available evidence is currently insufficient to determine the role of this variant in disease. Therefore, it has been classified as a Variant of Uncertain Significance. Algorithms developed to predict the effect of sequence changes on RNA splicing suggest that this variant may disrupt the consensus splice site. This variant has not been reported in the literature in individuals affected with LTBP3-related conditions. This variant is not present in population databases (gnomAD no frequency). This sequence change affects codon 909 of the LTBP3 mRNA. It is a 'silent' change, meaning that it does not change the encoded amino acid sequence of the LTBP3 protein.